The following is an entry in ClinVar:

ClinVar aggregate classification (germline): Uncertain significance (1 of 4 stars; one submission).

Conditions:
Hereditary cancer-predisposing syndrome. Also called: Hereditary Cancer Syndrome; Neoplastic Syndromes, Hereditary; Hereditary neoplastic syndrome; Tumor predisposition. Identifiers: Orphanet 140162, MedGen C0027672, MeSH D009386, MONDO:0015356.

gnomAD v4.1: 1 of 1,611,654 alleles (0.000062%); highest among the groups gnomAD compares: Non-Finnish European, 0.000085%; no homozygotes.

Submission:

Ambry Genetics
Classification: Uncertain significance for Hereditary cancer-predisposing syndrome. Last evaluated: 2018-10-15. Review status: criteria provided, single submitter. Criteria: Ambry Variant Classification Scheme 2023. Collection method: clinical testing. Allele origin: germline.
Comment: The p.A525D variant (also known as c.1574C>A), located in coding exon 17 of the RB1 gene, results from a C to A substitution at nucleotide position 1574. The alanine at codon 525 is replaced by aspartic acid, an amino acid with dissimilar properties. This amino acid position is highly conserved on sequence alignment. In addition, this alteration is predicted to be deleterious by in silico analysis. Since supporting evidence is limited at this time, the clinical significance of this alteration remains unclear.

NM_000321.3(RB1):c.1574C>A (p.Ala525Asp)

Gene: RB1 (RB transcriptional corepressor 1; plus strand). Cytogenetic location: 13q14.2.
Variant type: single nucleotide variant.
Coding change: c.1574C>A on transcript NM_000321.3 (MANE Select); coding-DNA position 1574, C replaced by A.
Protein change: p.Ala525Asp; replaces alanine 525 with aspartic acid.
Molecular consequence: missense variant.
Genome position (GRCh38, 1-based): chr13:48,381,322, C>A. VCF-style: chr13-48381322-C-A. GRCh37 (hg19) VCF-style: chr13-48955458-C-A.
Other names: short protein forms A525D.
Identifiers: ClinVar variation 428687 (VCV000428687.5), dbSNP rs4151539, ClinGen allele CA388163580.